The following is an entry in ClinVar:

NM_003126.4(SPTA1):c.3952G>C (p.Ala1318Pro)

Gene: SPTA1 (spectrin alpha, erythrocytic 1; minus strand). Cytogenetic location: 1q23.1.
Variant type: single nucleotide variant.
Coding change: c.3952G>C on transcript NM_003126.4 (MANE Select); coding-DNA position 3952, G replaced by C.
Protein change: p.Ala1318Pro; replaces alanine 1318 with proline.
Molecular consequence: missense variant.
Genome position (GRCh38, 1-based): chr1:158,645,539, C>G on the plus strand (G>C on the coding strand, the complement: SPTA1 is on the minus strand). VCF-style: chr1-158645539-C-G. GRCh37 (hg19) VCF-style: chr1-158615329-C-G.
Other names: short protein forms A1318P.
Identifiers: ClinVar variation 1352706 (VCV001352706.6), dbSNP rs2101838875, ClinGen allele CA343032901.

ClinVar aggregate classification (germline): Uncertain significance (1 of 4 stars; one submission).

Submission:

Labcorp Genetics (formerly Invitae), Labcorp
Classification: Uncertain significance. Last evaluated: 2022-03-11. Review status: criteria provided, single submitter. Criteria: Invitae Variant Classification Sherloc (09022015). Collection method: clinical testing. Allele origin: germline.
Comment: In summary, the available evidence is currently insufficient to determine the role of this variant in disease. Therefore, it has been classified as a Variant of Uncertain Significance. Algorithms developed to predict the effect of missense changes on protein structure and function are either unavailable or do not agree on the potential impact of this missense change (SIFT: "Deleterious"; PolyPhen-2: "Benign"; Align-GVGD: "Class C25"). This variant has not been reported in the literature in individuals affected with SPTA1-related conditions. This variant is not present in population databases (gnomAD no frequency). This sequence change replaces alanine, which is neutral and non-polar, with proline, which is neutral and non-polar, at codon 1318 of the SPTA1 protein (p.Ala1318Pro).